The following is an entry in ClinVar:

NM_000051.4(ATM):c.3973G>T (p.Glu1325Ter)

Gene: ATM (ATM serine/threonine kinase; plus strand). Cytogenetic location: 11q22.3.
Variant type: single nucleotide variant.
Coding change: c.3973G>T on transcript NM_000051.4 (MANE Select); coding-DNA position 3973, G replaced by T.
Protein change: p.Glu1325Ter; replaces glutamic acid 1325 with a stop codon.
Molecular consequence: nonsense.
Genome position (GRCh38, 1-based): chr11:108,284,453, G>T. VCF-style: chr11-108284453-G-T. GRCh37 (hg19) VCF-style: chr11-108155180-G-T.
Other names: c.3973G>T, p.Glu1325Ter (NM_001351834.2); short protein forms E1325*.
Identifiers: ClinVar variation 2584504 (VCV002584504.1), dbSNP rs2135709779, ClinGen allele CA382526173.

ClinVar aggregate classification (germline): Pathogenic/Likely pathogenic. Review status: criteria provided, multiple submitters, no conflicts (2 of 4 stars). 2 submissions from 2 submitters: Pathogenic (1); Likely pathogenic (1). Last evaluated 2025-05-20.

Conditions:
Breast cancer, susceptibility to. Identifiers: MedGen C3469522. Disease mechanism: gain of function.
Ataxia-telangiectasia syndrome (AT). Also called: Ataxia-telangiectasia, complementation group D; AT, COMPLEMENTATION GROUP C; Ataxia-telangiectasia, complementation group E; LOUIS-BAR SYNDROME; Cerebello-oculocutaneous telangiectasia; Immunodeficiency with ataxia telangiectasia. Identifiers: Orphanet 100, MedGen C0004135, MONDO:0008840, OMIM 208900.

Submissions (2):

Variantyx, Inc.
Classification: Pathogenic for Ataxia-telangiectasia syndrome. Last evaluated: 2025-05-20. Review status: criteria provided, single submitter. Criteria: Variantyx Assertion Criteria 2022. Collection method: clinical testing. Allele origin: germline. Inheritance: Autosomal recessive inheritance. Affected: yes.
Comment: This is a nonsense variant in the ATM gene (OMIM: 607585). Pathogenic variants in this gene have been associated with autosomal recessive ataxia-telangiectasia. This variant introduces a premature termination codon in exon 26 out of 63 and is expected to result in loss of function, which is a known disease mechanism for ATM in this disorder (PMID: 20301790, 35145552) (PVS1). Based on the current evidence, this variant is classified as pathogenic for autosomal recessive ataxia-telangiectasia.

Rady Children's Institute for Genomic Medicine, Rady Children's Hospital San Diego
Classification: Likely pathogenic for {Breast cancer, susceptibility to}. Review status: criteria provided, single submitter. Criteria: ACMG Guidelines, 2015. Collection method: clinical testing. Allele origin: germline. Affected: yes.
Comment: This nonsense variant in exon 26 of 63 is predicted to result in loss of normal protein function through either protein truncation or nonsense-mediated mRNA decay (NMD). Loss-of-function variation in ATM is an established mechanism of disease (PMID: 20301790, 27112364, 25479140, 27989354, 28657667). The c.3973G>T (p.Glu1325Ter) variant has not been reported previously in the literature to our knowledge. It is absent in the gnomAD population database and thus is presumed to be rare. Based on the available evidence, the c.3973G>T (p.Glu1325Ter) variant is classified as Likely Pathogenic.

Literature cited by the submitters: PubMed 20301790 (cited by Variantyx, Inc.); PubMed 35145552 (cited by Variantyx, Inc.).